The following is an entry in ClinVar:

NM_005869.4(CWC27):c.1156del (p.Ala387fs)

Gene: CWC27 (CWC27 spliceosome associated cyclophilin; plus strand). Cytogenetic location: 5q12.3.
Variant type: Deletion.
Coding change: c.1156del on transcript NM_005869.4 (MANE Select); coding-DNA position 1156, one base deleted (C; older notation c.1156delC).
Protein change: p.Ala387fs; shifts the reading frame from alanine 387.
Molecular consequence: frameshift variant. On other transcripts: intron variant (1).
Genome position (GRCh38, 1-based): chr5:64,977,138, C deleted; the last of 3 consecutive C bases (chr5:64,977,136-64,977,138); deleting any one gives the same sequence. VCF-style (leftmost placement, unchanged base first): chr5-64977135-AC-A. GRCh37 (hg19) VCF-style: chr5-64272962-AC-A.
Other names: c.1152+5326del (NM_001297644.1); short protein forms A387fs.
Identifiers: ClinVar variation 1076530 (VCV001076530.7), dbSNP rs1372091680, ClinGen allele CA560121329.

ClinVar aggregate classification (germline): Pathogenic (1 of 4 stars; one submission).

Submission:

Labcorp Genetics (formerly Invitae), Labcorp
Classification: Pathogenic. Last evaluated: 2020-02-10. Review status: criteria provided, single submitter. Criteria: Invitae Variant Classification Sherloc (09022015). Collection method: clinical testing. Allele origin: germline.
Comment: For these reasons, this variant has been classified as Pathogenic. This sequence change creates a premature translational stop signal (p.Ala387Hisfs*3) in the CWC27 gene. It is expected to result in an absent or disrupted protein product. This variant is not present in population databases (ExAC no frequency). This variant has not been reported in the literature in individuals with CWC27-related conditions. Loss-of-function variants in CWC27 are known to be pathogenic (PMID: 28285769).

Literature cited by the submitters: PubMed 28285769.